The following is an entry in ClinVar:

ClinVar aggregate classification (germline): Benign (1 of 4 stars; one submission).

Conditions:
Autosomal recessive proximal renal tubular acidosis (PRTAO). Also called: RTA, PROXIMAL, AUTOSOMAL RECESSIVE; RENAL TUBULAR ACIDOSIS, PROXIMAL, WITH OCULAR ABNORMALITIES AND MENTAL RETARDATION; RENAL TUBULAR ACIDOSIS, PROXIMAL, WITH OCULAR ABNORMALITIES AND IMPAIRED INTELLECTUAL DEVELOPMENT; PROXIMAL RENAL TUBULAR ACIDOSIS-OCULAR ANOMALY SYNDROME. Identifiers: Orphanet 93607, MedGen C1970309, MONDO:0011422, OMIM 604278.

Allele frequency attached by ClinVar (database versions not stated): gnomAD 0.00004 and 0.00142; TOPMed 0.00029; 1000 Genomes Project 30x 0.01031; 1000 Genomes Project 0.01038.

Submission:

Illumina Laboratory Services, Illumina
Classification: Benign for Autosomal recessive proximal renal tubular acidosis. Last evaluated: 2018-01-12. Review status: criteria provided, single submitter. Criteria: ICSL Variant Classification Criteria 13 December 2019. Collection method: clinical testing. Allele origin: germline.
Comment: This variant was observed in the ICSL laboratory as part of a predisposition screen in an ostensibly healthy population. It had not been previously curated by ICSL or reported in the Human Gene Mutation Database (HGMD: prior to June 1st, 2018), and was therefore a candidate for classification through an automated scoring system. Utilizing variant allele frequency, disease prevalence and penetrance estimates, and inheritance mode, an automated score was calculated to assess if this variant is too frequent to cause the disease. Based on the score and internal cut-off values, a variant classified as benign is not then subjected to further curation. The score for this variant resulted in a classification of benign for this disease.

NM_001098484.3(SLC4A4):c.*1945A>T

Gene: SLC4A4 (solute carrier family 4 member 4; plus strand). Cytogenetic location: 4q13.3.
Variant type: single nucleotide variant.
Coding change: c.*1945A>T on transcript NM_001098484.3 (MANE Select); 1945 bases downstream of the stop codon, A replaced by T.
Molecular consequence: 3 prime UTR variant.
Genome position (GRCh38, 1-based): chr4:71,569,696, A>T. VCF-style: chr4-71569696-A-T. GRCh37 (hg19) VCF-style: chr4-72435413-A-T.
Other names: c.*1803A>T (NM_001134742.2); c.*1945A>T (NM_003759.4).
Identifiers: ClinVar variation 349590 (VCV000349590.5), dbSNP rs375540927, ClinGen allele CA10621685.
Genomic context (GRCh38, chr4:71,569,696, plus strand): 5'-ATAACCAGTTGTTGAGGGGTATACTAGAAGCAGAATGAAACCACATTTTTTGGTTTGATA[A>T]TATGCACTTATTGACTCCCACTCATTGTTATGTTAATTAAGTTATTATTCTGTCTCCTTG-3'